The following is an entry in ClinVar:

NM_001365951.3(KIF1B):c.3847A>T (p.Thr1283Ser)

Gene: KIF1B (kinesin family member 1B; plus strand). Cytogenetic location: 1p36.22.
Variant type: single nucleotide variant.
Coding change: c.3847A>T on transcript NM_001365951.3 (MANE Select); coding-DNA position 3847, A replaced by T.
Protein change: p.Thr1283Ser; replaces threonine 1283 with serine.
Molecular consequence: missense variant.
Genome position (GRCh38, 1-based): chr1:10,347,810, A>T. VCF-style: chr1-10347810-A-T. GRCh37 (hg19) VCF-style: chr1-10407868-A-T.
Other names: c.3847A>T, p.Thr1283Ser (NM_001365952.1); c.3709A>T, p.Thr1237Ser (NM_015074.3); short protein forms T1283S, T1237S.
Identifiers: ClinVar variation 1734168 (VCV001734168.2), dbSNP rs2521792130, ClinGen allele CA338343278.

ClinVar aggregate classification (germline): Uncertain significance (1 of 4 stars; one submission).

Submission:

Ambry Genetics
Classification: Uncertain significance. Last evaluated: 2021-06-18. Review status: criteria provided, single submitter. Criteria: Ambry Variant Classification Scheme 2023. Collection method: clinical testing. Allele origin: germline.
Comment: The p.T1237S variant (also known as c.3709A>T), located in coding exon 33 of the KIF1B gene, results from an A to T substitution at nucleotide position 3709. The threonine at codon 1237 is replaced by serine, an amino acid with similar properties. This amino acid position is conserved. In addition, the in silico prediction for this alteration is inconclusive. Since supporting evidence is limited at this time, the clinical significance of this alteration remains unclear.